The following is an entry in ClinVar:

ClinVar aggregate classification (germline): Uncertain significance (1 of 4 stars; one submission).

Conditions:
Norman-Roberts syndrome (LIS2). Also called: Lissencephaly 2 (Norman-Roberts type). Identifiers: Orphanet 89844, MedGen C0796089, MONDO:0009760, OMIM 257320.
Familial temporal lobe epilepsy 7. Identifiers: Orphanet 101046, MedGen C4225327, MONDO:0014639, OMIM 616436.

Allele frequency attached by ClinVar (database versions not stated): TOPMed 0.00001.
gnomAD v4.1: 3 of 1,613,924 alleles (0.00019%); highest among the groups gnomAD compares: Admixed American, 0.005%; no homozygotes.

Submission:

Labcorp Genetics (formerly Invitae), Labcorp
Classification: Uncertain significance for Familial temporal lobe epilepsy 7; Norman-Roberts syndrome. Last evaluated: 2024-01-03. Review status: criteria provided, single submitter. Criteria: Invitae Variant Classification Sherloc (09022015). Collection method: clinical testing. Allele origin: germline.
Comment: This sequence change replaces serine, which is neutral and polar, with arginine, which is basic and polar, at codon 1012 of the RELN protein (p.Ser1012Arg). This variant is present in population databases (rs777222017, gnomAD 0.009%). This variant has not been reported in the literature in individuals affected with RELN-related conditions. ClinVar contains an entry for this variant (Variation ID: 1396840). Advanced modeling of protein sequence and biophysical properties (such as structural, functional, and spatial information, amino acid conservation, physicochemical variation, residue mobility, and thermodynamic stability) performed at Invitae indicates that this missense variant is not expected to disrupt RELN protein function with a negative predictive value of 80%. In summary, the available evidence is currently insufficient to determine the role of this variant in disease. Therefore, it has been classified as a Variant of Uncertain Significance.

NM_005045.4(RELN):c.3036C>G (p.Ser1012Arg)

Gene: RELN (reelin; minus strand). Cytogenetic location: 7q22.1.
Variant type: single nucleotide variant.
Coding change: c.3036C>G on transcript NM_005045.4 (MANE Select); coding-DNA position 3036, C replaced by G.
Protein change: p.Ser1012Arg; replaces serine 1012 with arginine.
Molecular consequence: missense variant.
Genome position (GRCh38, 1-based): chr7:103,604,456, G>C on the plus strand (C>G on the coding strand, the complement: RELN is on the minus strand). VCF-style: chr7-103604456-G-C. GRCh37 (hg19) VCF-style: chr7-103244903-G-C.
Other names: c.3036C>G, p.Ser1012Arg (NM_173054.3); short protein forms S1012R.
Identifiers: ClinVar variation 1396840 (VCV001396840.7), dbSNP rs777222017, ClinGen allele CA4421864.